The following is an entry in ClinVar:

ClinVar aggregate classification (germline): Uncertain significance (1 of 4 stars; one submission).

Allele frequency attached by ClinVar (database versions not stated): TOPMed below 0.00001.

Submission:

Labcorp Genetics (formerly Invitae), Labcorp
Classification: Uncertain significance. Last evaluated: 2025-12-01. Review status: criteria provided, single submitter. Criteria: Invitae Variant Classification Sherloc (09022015). Collection method: clinical testing. Allele origin: germline.
Comment: This sequence change replaces proline, which is neutral and non-polar, with arginine, which is basic and polar, at codon 312 of the COL9A3 protein (p.Pro312Arg). This variant is not present in population databases (gnomAD no frequency). This variant has not been reported in the literature in individuals affected with COL9A3-related conditions. ClinVar contains an entry for this variant (Variation ID: 1498968). Invitae Evidence Modeling of protein sequence and biophysical properties (such as structural, functional, and spatial information, amino acid conservation, physicochemical variation, residue mobility, and thermodynamic stability) indicates that this missense variant is not expected to disrupt COL9A3 protein function with a negative predictive value of 95%. In summary, the available evidence is currently insufficient to determine the role of this variant in disease. Therefore, it has been classified as a Variant of Uncertain Significance.

NM_001853.4(COL9A3):c.935C>G (p.Pro312Arg)

Gene: COL9A3 (collagen type IX alpha 3 chain; plus strand). Cytogenetic location: 20q13.33.
Variant type: single nucleotide variant.
Coding change: c.935C>G on transcript NM_001853.4 (MANE Select); coding-DNA position 935, C replaced by G.
Protein change: p.Pro312Arg; replaces proline 312 with arginine.
Molecular consequence: missense variant.
Genome position (GRCh38, 1-based): chr20:62,828,798, C>G. VCF-style: chr20-62828798-C-G. GRCh37 (hg19) VCF-style: chr20-61460150-C-G.
Other names: short protein forms P312R.
Identifiers: ClinVar variation 1498968 (VCV001498968.6), dbSNP rs764554787, ClinGen allele CA317333048.